The following is an entry in ClinVar:

ClinVar aggregate classification (germline): Uncertain significance (1 of 4 stars; one submission).

Conditions:
Intellectual developmental disorder, X-linked 1. Also called: Atkin Flaitz Patil Smith syndrome; Intellectual disability, X-linked 1; MENTAL RETARDATION, X-LINKED 18; MENTAL RETARDATION, X-LINKED 78. Identifiers: Orphanet 777, MedGen C2931498, MONDO:0010656, OMIM 309530.

Submission:

Labcorp Genetics (formerly Invitae), Labcorp
Classification: Uncertain significance for Intellectual developmental disorder, X-linked 1. Last evaluated: 2021-03-17. Review status: criteria provided, single submitter. Criteria: Invitae Variant Classification Sherloc (09022015). Collection method: clinical testing. Allele origin: germline.
Comment: This sequence change replaces arginine with lysine at codon 754 of the IQSEC2 protein (p.Arg754Lys). The arginine residue is moderately conserved and there is a small physicochemical difference between arginine and lysine. In summary, the available evidence is currently insufficient to determine the role of this variant in disease. Therefore, it has been classified as a Variant of Uncertain Significance. Advanced modeling of protein sequence and biophysical properties (such as structural, functional, and spatial information, amino acid conservation, physicochemical variation, residue mobility, and thermodynamic stability) performed at Invitae indicates that this missense variant is not expected to disrupt IQSEC2 protein function. This variant has not been reported in the literature in individuals with IQSEC2-related conditions. This variant is not present in population databases (ExAC no frequency).

NM_001111125.3(IQSEC2):c.2261G>A (p.Arg754Lys)

Gene: IQSEC2 (IQ motif and Sec7 domain ArfGEF 2; minus strand). Cytogenetic location: Xp11.22.
Variant type: single nucleotide variant.
Coding change: c.2261G>A on transcript NM_001111125.3 (MANE Select); coding-DNA position 2261, G replaced by A.
Protein change: p.Arg754Lys; replaces arginine 754 with lysine.
Molecular consequence: missense variant.
Genome position (GRCh38, 1-based): chrX:53,250,315, C>T on the plus strand (G>A on the coding strand, the complement: IQSEC2 is on the minus strand). VCF-style: chrX-53250315-C-T. GRCh37 (hg19) VCF-style: chrX-53279497-C-T.
Other names: c.1646G>A, p.Arg549Lys (NM_015075.2); short protein forms R754K, R549K.
Identifiers: ClinVar variation 1414836 (VCV001414836.8), dbSNP rs2147096443, ClinGen allele CA413159675.
Genomic context (GRCh38, chrX:53,250,315, plus strand): 5'-CAGGCTAGAACGGGGAGCACGCACTTGTTGAAGAGGTTGAGGCCGATTCGGTAGTGCCGC[C>T]TCTGGACCACATCATTGTTGAAAGCTGGCGAGTCCCAGCTATGCCTTGTCTCCCGCTGGT-3'
Protein context (NP_001104595.1, residues 744-764): SPAFNNDVVQ[Arg754Lys]RHYRIGLNLF